The following is an entry in ClinVar:

ClinVar aggregate classification (germline): Uncertain significance (1 of 4 stars; one submission).

Conditions:
Microcephaly 21, primary, autosomal recessive. Identifiers: MedGen C4693831, MONDO:0054804, OMIM 617983.

Allele frequency attached by ClinVar (database versions not stated): gnomAD exomes 0.00001.
gnomAD v4.1: 16 of 1,613,204 alleles (0.00099%); highest among the groups gnomAD compares: Non-Finnish European, 0.0014%; no homozygotes.

Submission:

Baylor Genetics
Classification: Uncertain significance for Microcephaly 21, primary, autosomal recessive. Last evaluated: 2020-03-11. Review status: criteria provided, single submitter. Criteria: ACMG Guidelines, 2015. Collection method: clinical testing. Allele origin: unknown. Affected: yes.
Comment: This variant was determined to be of uncertain significance according to ACMG Guidelines, 2015 [PMID:25741868].

NM_014865.4(NCAPD2):c.3830A>T (p.Glu1277Val)

Gene: NCAPD2 (non-SMC condensin I complex subunit D2; plus strand). Cytogenetic location: 12p13.31.
Variant type: single nucleotide variant.
Coding change: c.3830A>T on transcript NM_014865.4 (MANE Select); coding-DNA position 3830, A replaced by T.
Protein change: p.Glu1277Val; replaces glutamic acid 1277 with valine.
Molecular consequence: missense variant.
Genome position (GRCh38, 1-based): chr12:6,529,951, A>T. VCF-style: chr12-6529951-A-T. GRCh37 (hg19) VCF-style: chr12-6639117-A-T.
Other names: short protein forms E1277V.
Identifiers: ClinVar variation 1030435 (VCV001030435.1), dbSNP rs1946356525, ClinGen allele CA383597213.